The following is an entry in ClinVar:

ClinVar aggregate classification (germline): Pathogenic (1 of 4 stars; one submission).

Conditions:
Aicardi-Goutieres syndrome 6 (AGS6). Identifiers: Orphanet 51, MedGen C3539013, MONDO:0014007, OMIM 615010.
Symmetrical dyschromatosis of extremities (DSH). Also called: DYSCHROMATOSIS SYMMETRICA HEREDITARIA 1; Dyschromatosis symmetrica hereditaria; RETICULATE ACROPIGMENTATION OF DOHI; SYMMETRIC DYSCHROMATOSIS OF THE EXTREMITIES. Identifiers: Orphanet 41, MedGen C0406775, MONDO:0007483, OMIM 127400.

Submission:

Labcorp Genetics (formerly Invitae), Labcorp
Classification: Pathogenic for Aicardi-Goutieres syndrome 6; Symmetrical dyschromatosis of extremities. Last evaluated: 2021-02-15. Review status: criteria provided, single submitter. Criteria: Invitae Variant Classification Sherloc (09022015). Collection method: clinical testing. Allele origin: germline.
Comment: A gross deletion of the genomic region encompassing the full coding sequence of the ADAR gene has been identified. Loss-of-function variants in ADAR are known to be pathogenic (PMID: 22974014). The boundaries of this event are unknown as they extend beyond the assayed region for this gene and therefore may encompass additional genes. This variant has not been reported in the literature in individuals with ADAR-related conditions. For these reasons, this variant has been classified as Pathogenic.

Literature cited by the submitters: PubMed 22974014.

NC_000001.10:g.(?_154422067)_(154580482_?)del

Genes: UBE2Q1 (ubiquitin conjugating enzyme E2 Q1; minus strand), ADAR (adenosine deaminase RNA specific; minus strand), CHRNB2 (cholinergic receptor nicotinic beta 2 subunit; plus strand), IL6R (interleukin 6 receptor; plus strand), SHE (Src homology 2 domain containing E; minus strand) and 1 more. Cytogenetic location: 1q21.3.
Variant type: Deletion.
Identifiers: ClinVar variation 1459168 (VCV001459168.3).